The following is an entry in ClinVar:

ClinVar aggregate classification (germline): Uncertain significance. Review status: criteria provided, multiple submitters, no conflicts (2 of 4 stars). 2 submissions from 2 submitters: Uncertain significance (2). Last evaluated 2024-09-09.

Conditions:
Adams-Oliver syndrome 5 (AOS5). Identifiers: Orphanet 974, MedGen C4014970, MONDO:0014459, OMIM 616028.

Allele frequency attached by ClinVar (database versions not stated): gnomAD exomes below 0.00001.
gnomAD v4.1: 4 of 1,599,696 alleles (0.00025%); highest among the groups gnomAD compares: Non-Finnish European, 0.00034%; no homozygotes.

Submissions (2):

GeneDx
Classification: Uncertain significance. Last evaluated: 2024-09-09. Review status: criteria provided, single submitter. Criteria: GeneDx Variant Classification Process June 2021. Collection method: clinical testing. Allele origin: germline. Affected: yes.
Comment: Has not been previously published as pathogenic or benign to our knowledge; Not observed at significant frequency in large population cohorts (gnomAD); In silico analysis indicates that this missense variant does not alter protein structure/function

Labcorp Genetics (formerly Invitae), Labcorp
Classification: Uncertain significance for Adams-Oliver syndrome 5. Last evaluated: 2023-07-21. Review status: criteria provided, single submitter. Criteria: Invitae Variant Classification Sherloc (09022015). Collection method: clinical testing. Allele origin: germline.
Comment: This sequence change replaces glycine, which is neutral and non-polar, with aspartic acid, which is acidic and polar, at codon 1394 of the NOTCH1 protein (p.Gly1394Asp). The frequency data for this variant in the population databases is considered unreliable, as metrics indicate poor data quality at this position in the gnomAD database. This variant has not been reported in the literature in individuals affected with NOTCH1-related conditions. Advanced modeling of protein sequence and biophysical properties (such as structural, functional, and spatial information, amino acid conservation, physicochemical variation, residue mobility, and thermodynamic stability) performed at Invitae indicates that this missense variant is not expected to disrupt NOTCH1 protein function. In summary, the available evidence is currently insufficient to determine the role of this variant in disease. Therefore, it has been classified as a Variant of Uncertain Significance.

NM_017617.5(NOTCH1):c.4181G>A (p.Gly1394Asp)

Gene: NOTCH1 (notch receptor 1; minus strand). Cytogenetic location: 9q34.3.
Variant type: single nucleotide variant.
Coding change: c.4181G>A on transcript NM_017617.5 (MANE Select); coding-DNA position 4181, G replaced by A.
Protein change: p.Gly1394Asp; replaces glycine 1394 with aspartic acid.
Molecular consequence: missense variant.
Genome position (GRCh38, 1-based): chr9:136,505,715, C>T on the plus strand (G>A on the coding strand, the complement: NOTCH1 is on the minus strand). VCF-style: chr9-136505715-C-T. GRCh37 (hg19) VCF-style: chr9-139400167-C-T.
Other names: c.4181G>A (NM_017617.3); short protein forms G1394D.
Identifiers: ClinVar variation 3002881 (VCV003002881.4), dbSNP rs1329672903, ClinGen allele CA375649324.